The following is an entry in ClinVar:

ClinVar aggregate classification (germline): Uncertain significance (1 of 4 stars; one submission).

Allele frequency attached by ClinVar (database versions not stated): gnomAD exomes below 0.00001.
gnomAD v4.1: 1 of 1,613,804 alleles (0.000062%); highest among the groups gnomAD compares: South Asian, 0.0011%; no homozygotes.

Submission:

GeneDx
Classification: Uncertain significance. Last evaluated: 2022-04-27. Review status: criteria provided, single submitter. Criteria: GeneDx Variant Classification Process June 2021. Collection method: clinical testing. Allele origin: germline. Affected: yes.
Comment: Not observed at significant frequency in large population cohorts (gnomAD); In silico analysis supports that this missense variant does not alter protein structure/function; Has not been previously published as pathogenic or benign to our knowledge

NM_015378.4(VPS13D):c.10533T>A (p.Asp3511Glu)

Gene: VPS13D (vacuolar protein sorting 13 homolog D; plus strand). Cytogenetic location: 1p36.22.
Variant type: single nucleotide variant.
Coding change: c.10533T>A on transcript NM_015378.4 (MANE Select); coding-DNA position 10533, T replaced by A.
Protein change: p.Asp3511Glu; replaces aspartic acid 3511 with glutamic acid.
Molecular consequence: missense variant.
Genome position (GRCh38, 1-based): chr1:12,368,552, T>A. VCF-style: chr1-12368552-T-A. GRCh37 (hg19) VCF-style: chr1-12428607-T-A.
Other names: c.10458T>A, p.Asp3486Glu (NM_018156.4); short protein forms D3486E, D3511E.
Identifiers: ClinVar variation 1712524 (VCV001712524.2), dbSNP rs1196517736, ClinGen allele CA338498247.
Genomic context (GRCh38, chr1:12,368,552, plus strand): 5'-CCTACGAGTGGAAATTACTCTCCGAGGAGCTACGTATAGGATCTCATTTAGTGACACAGA[T>A]CAGTTACCTCCTCCTTTCCGAATTGACAACTTTTCTAAGGTATCAAGTGGAGCTGAGAGC-3'
Protein context (NP_056193.2, residues 3501-3521): ATYRISFSDT[Asp3511Glu]QLPPPFRIDN